The following is an entry in ClinVar:

ClinVar aggregate classification (germline): Likely benign. Review status: criteria provided, single submitter (1 of 4 stars). 2 submissions from 2 submitters: Likely benign (1). 1 of the submissions does not count toward it. Last evaluated 2024-09-23.

Conditions:
KIDINS220-related disorder. Also called: KIDINS220-related condition.

Allele frequency attached by ClinVar (database versions not stated): gnomAD 0.00001.
gnomAD v4.1: 31 of 1,614,090 alleles (0.0019%); highest among the groups gnomAD compares: Admixed American, 0.005%; no homozygotes.

Submissions (2):

Labcorp Genetics (formerly Invitae), Labcorp
Classification: Likely benign. Last evaluated: 2024-09-23. Review status: criteria provided, single submitter. Criteria: Invitae Variant Classification Sherloc (09022015). Collection method: clinical testing. Allele origin: germline.

PreventionGenetics, part of Exact Sciences
Classification: Likely benign for KIDINS220-related condition. Last evaluated: 2021-07-01. Review status: no assertion criteria provided. Collection method: clinical testing. Allele origin: germline. Not counted in ClinVar's aggregate classification.
Comment: This variant is classified as likely benign based on ACMG/AMP sequence variant interpretation guidelines (Richards et al. 2015 PMID: 25741868, with internal and published modifications).

NM_020738.4(KIDINS220):c.4686G>A (p.Pro1562=)

Gene: KIDINS220 (kinase D interacting substrate 220; minus strand). Cytogenetic location: 2p25.1.
Variant type: single nucleotide variant.
Coding change: c.4686G>A on transcript NM_020738.4 (MANE Select); coding-DNA position 4686, G replaced by A.
Protein change: p.Pro1562=; no amino-acid change (proline 1562 retained).
Molecular consequence: synonymous variant. On other transcripts: intron variant (6).
Genome position (GRCh38, 1-based): chr2:8,731,350, C>T on the plus strand (G>A on the coding strand, the complement: KIDINS220 is on the minus strand). VCF-style: chr2-8731350-C-T. GRCh37 (hg19) VCF-style: chr2-8871480-C-T.
Other names: c.4686G>A (NM_020738.2); c.4689G>A, p.Pro1563= (NM_001348729.2); c.4632G>A, p.Pro1544= (NM_001348731.2); c.4629G>A, p.Pro1543= (NM_001348732.2); c.4518G>A, p.Pro1506= (NM_001348734.2); c.4515G>A, p.Pro1505= (NM_001348735.2); c.4389G>A, p.Pro1463= (NM_001348736.2); c.3882+2094G>A (NM_001348741.2, NM_001348742.2, NM_001348743.2); and 2 more.
Identifiers: ClinVar variation 2145720 (VCV002145720.6), dbSNP rs777163980, ClinGen allele CA1519326.